The following is an entry in ClinVar:

NM_001165963.4(SCN1A):c.2791C>A (p.Arg931Ser)

Gene: SCN1A (sodium voltage-gated channel alpha subunit 1; minus strand). Cytogenetic location: 2q24.3.
Variant type: single nucleotide variant.
Coding change: c.2791C>A on transcript NM_001165963.4 (MANE Select); coding-DNA position 2791, C replaced by A.
Protein change: p.Arg931Ser; replaces arginine 931 with serine.
Molecular consequence: missense variant. On other transcripts: non-coding transcript variant (1).
Genome position (GRCh38, 1-based): chr2:166,037,931, G>T on the plus strand (C>A on the coding strand, the complement: SCN1A is on the minus strand). VCF-style: chr2-166037931-G-T. GRCh37 (hg19) VCF-style: chr2-166894441-G-T.
Other names: c.2791C>A (NM_001165963.3); c.2707C>A, p.Arg903Ser (NM_001165964.3, NM_001353957.2, NM_001353958.2); c.2791C>A, p.Arg931Ser (NM_001202435.3, NM_001353948.2); c.2758C>A, p.Arg920Ser (NM_001353949.2, NM_001353950.2, NM_001353951.2 and 2 more transcripts); c.2755C>A, p.Arg919Ser (NM_001353954.2, NM_001353955.2); c.2704C>A, p.Arg902Ser (NM_001353960.2); c.349C>A, p.Arg117Ser (NM_001353961.2); short protein forms R117S, R902S, R903S, R919S, R920S, R931S.
Identifiers: ClinVar variation 1175195 (VCV001175195.9), dbSNP rs121918788, ClinGen allele CA349061365.
Genomic context (GRCh38, chr2:166,037,931, plus strand): 5'-CCCCACACAGCACGCGGAACACAATCAGGAAGGAGTGGAAGAAGTCATTCATGTGCCAGC[G>T]TGGGAGTTGACAATCACTGGCGATCTTGCAGACACAATCTTTGTAGCTTTTACCAAAGAG-3'
Protein context (NP_001159435.1, residues 921-941): CKIASDCQLP[Arg931Ser]WHMNDFFHSF

ClinVar aggregate classification (germline): Pathogenic/Likely pathogenic. Review status: criteria provided, multiple submitters, no conflicts (2 of 4 stars). 4 submissions from 4 submitters: Pathogenic (1); Likely pathogenic (2). 1 of the submissions does not count toward it. Last evaluated 2022-11-03.

Conditions:
Severe myoclonic epilepsy in infancy (DRVT). Also called: Dravet syndrome; Epileptic encephalopathy, early infantile, 6 (Dravet syndrome); SEVERE MYOCLONIC EPILEPSY OF INFANCY; DEVELOPMENTAL AND EPILEPTIC ENCEPHALOPATHY 6A; Severe Myoclonic Epilepsy in Infancy (SMEI). Identifiers: Orphanet 33069, MedGen C0751122, MONDO:0100135, OMIM 607208.
Early-infantile DEE. Also called: Early infantile epileptic encephalopathy with suppression bursts; Ohtahara syndrome; Early infantile epileptic encephalopathy. Identifiers: Orphanet 1934, MedGen C0393706, MONDO:0800491.
SCN1A-related disorder. Also called: SCN1A-related conditions; SCN1A-related condition; SCN1A-related disorders.

Submissions (4):

Blueprint Genetics
Classification: Likely pathogenic for SCN1A-related disorders. Last evaluated: 2022-11-03. Review status: criteria provided, single submitter. Criteria: ACMG Guidelines, 2015. Collection method: clinical testing. Allele origin: germline. Affected: yes. Observed: 1 variant allele.

Labcorp Genetics (formerly Invitae), Labcorp
Classification: Pathogenic for Early-infantile DEE. Last evaluated: 2022-04-24. Review status: criteria provided, single submitter. Criteria: Invitae Variant Classification Sherloc (09022015). Collection method: clinical testing. Allele origin: germline.
Comment: This variant is not present in population databases (gnomAD no frequency). For these reasons, this variant has been classified as Pathogenic. This variant disrupts the p.Arg931 amino acid residue in SCN1A. Other variant(s) that disrupt this residue have been determined to be pathogenic (PMID: 12083760, 18076640). This suggests that this residue is clinically significant, and that variants that disrupt this residue are likely to be disease-causing. Advanced modeling of protein sequence and biophysical properties (such as structural, functional, and spatial information, amino acid conservation, physicochemical variation, residue mobility, and thermodynamic stability) performed at Invitae indicates that this missense variant is expected to disrupt SCN1A protein function. ClinVar contains an entry for this variant (Variation ID: 1175195). This variant is also known as c.2758C>A (p.Arg920Ser). This missense change has been observed in individual(s) with epileptic encephalopathy (PMID: 34539730). In at least one individual the variant was observed to be de novo. This sequence change replaces arginine, which is basic and polar, with serine, which is neutral and polar, at codon 931 of the SCN1A protein (p.Arg931Ser).

Beijing Key Laboratry for Genetics of Birth Defects, Beijing Children's Hospital
Classification: Likely pathogenic for Severe myoclonic epilepsy in infancy. Last evaluated: 2020-02-28. Review status: criteria provided, single submitter. Criteria: ACMG Guidelines, 2015. Collection method: clinical testing. Allele origin: de novo. Affected: yes. Observed: 1 variant allele.

Department of Developmental Neurology, Medical University of Gdansk
No classification provided. Condition: Severe myoclonic epilepsy in infancy. Review status: no classification provided. Collection method: phenotyping only. Allele origin: unknown. Inheritance: Autosomal dominant inheritance. Affected: yes. Observed: 1 heterozygote. Not counted in ClinVar's aggregate classification.

Literature cited by the submitters: PubMed 12083760 (cited by Labcorp Genetics (formerly Invitae), Labcorp); PubMed 18076640 (cited by Labcorp Genetics (formerly Invitae), Labcorp); PubMed 34539730 (cited by Labcorp Genetics (formerly Invitae), Labcorp).